The following is an entry in ClinVar:

ClinVar aggregate classification (germline): Uncertain significance (1 of 4 stars; one submission).

gnomAD v4.1: 16 of 1,613,860 alleles (0.00099%); highest among the groups gnomAD compares: Non-Finnish European, 0.0011%; no homozygotes.

Submission:

GeneDx
Classification: Uncertain significance. Last evaluated: 2025-06-09. Review status: criteria provided, single submitter. Criteria: GeneDx Variant Classification Process June 2021. Collection method: clinical testing. Allele origin: germline. Affected: yes.
Comment: Not observed at significant frequency in large population cohorts (gnomAD); In silico analysis suggests that this missense variant does not alter protein structure/function; Has not been previously published as pathogenic or benign to our knowledge

NM_000243.3(MEFV):c.1777G>A (p.Ala593Thr)

Genes: MEFV (MEFV innate immunity regulator, pyrin; minus strand), LOC126862264 (CDK7 strongly-dependent group 2 enhancer GRCh37_chr16:3293322-3294521; plus strand). Cytogenetic location: 16p13.3.
Variant type: single nucleotide variant.
Coding change: c.1777G>A on transcript NM_000243.3 (MANE Select); coding-DNA position 1777, G replaced by A.
Protein change: p.Ala593Thr; replaces alanine 593 with threonine.
Molecular consequence: missense variant.
Genome position (GRCh38, 1-based): chr16:3,243,875, C>T on the plus strand (G>A on the coding strand, the complement: MEFV is on the minus strand). VCF-style: chr16-3243875-C-T. GRCh37 (hg19) VCF-style: chr16-3293875-C-T.
Other names: c.1319G>A, p.Arg440His (NM_001198536.2); short protein forms A593T, R440H.
Identifiers: ClinVar variation 4537923 (VCV004537923.1).